The following is an entry in ClinVar:

ClinVar aggregate classification (germline): Likely benign. Review status: criteria provided, multiple submitters, no conflicts (2 of 4 stars). 2 submissions from 2 submitters: Likely benign (2). Last evaluated 2023-11-27.

Allele frequency attached by ClinVar (database versions not stated): ExAC 0.00002; gnomAD 0.00002; TOPMed 0.00003.
gnomAD v4.1: 16 of 1,614,046 alleles (0.00099%); highest among the groups gnomAD compares: East Asian, 0.011%; no homozygotes.

Submissions (2):

Labcorp Genetics (formerly Invitae), Labcorp
Classification: Likely benign. Last evaluated: 2023-11-27. Review status: criteria provided, single submitter. Criteria: Invitae Variant Classification Sherloc (09022015). Collection method: clinical testing. Allele origin: germline.

CeGaT Center for Human Genetics Tuebingen
Classification: Likely benign. Last evaluated: 2023-01-01. Review status: criteria provided, single submitter. Criteria: CeGaT Center For Human Genetics Tuebingen Variant Classification Criteria Version 2. Collection method: clinical testing. Allele origin: germline. Affected: yes. Observed: 1 variant allele.
Comment: VPS13D: BP4, BP7

NM_015378.4(VPS13D):c.7095C>T (p.Pro2365=)

Gene: VPS13D (vacuolar protein sorting 13 homolog D; plus strand). Cytogenetic location: 1p36.22.
Variant type: single nucleotide variant.
Coding change: c.7095C>T on transcript NM_015378.4 (MANE Select); coding-DNA position 7095, C replaced by T.
Protein change: p.Pro2365=; no amino-acid change (proline 2365 retained).
Molecular consequence: synonymous variant.
Genome position (GRCh38, 1-based): chr1:12,314,274, C>T. VCF-style: chr1-12314274-C-T. GRCh37 (hg19) VCF-style: chr1-12374331-C-T.
Other names: c.7095C>T, p.Pro2365= (NM_018156.4).
Identifiers: ClinVar variation 2638251 (VCV002638251.27), dbSNP rs767586501, ClinGen allele CA602751.